The following is an entry in ClinVar:

ClinVar aggregate classification (germline): Likely pathogenic (0 of 4 stars; one submission).

Conditions:
DNAH1-related disorder. Also called: DNAH1-related condition.

Submission:

PreventionGenetics, part of Exact Sciences
Classification: Likely pathogenic for DNAH1-related condition. Last evaluated: 2024-01-19. Review status: no assertion criteria provided. Collection method: clinical testing. Allele origin: germline.
Comment: The DNAH1 c.7031_7032delinsA variant is predicted to result in a frameshift and premature protein termination (p.Gly2344Aspfs*14). To our knowledge, this variant has not been reported in the literature or in a large population database, indicating this variant is rare. Frameshift variants in DNAH1 are expected to be pathogenic. This variant is interpreted as likely pathogenic.

NM_015512.5(DNAH1):c.7031_7032delinsA (p.Gly2344fs)

Gene: DNAH1 (dynein axonemal heavy chain 1; plus strand). Cytogenetic location: 3p21.1.
Variant type: Indel.
Coding change: c.7031_7032delinsA on transcript NM_015512.5 (MANE Select); coding-DNA positions 7031 to 7032, GC replaced by A.
Protein change: p.Gly2344fs; shifts the reading frame from glycine 2344.
Molecular consequence: frameshift variant.
Genome position (GRCh38, 1-based): chr3:52,375,285-52,375,286, GC replaced by A. VCF-style: chr3-52375285-GC-A. GRCh37 (hg19) VCF-style: chr3-52409301-GC-A.
Other names: short protein forms G2344fs.
Identifiers: ClinVar variation 2631172 (VCV002631172.3), dbSNP rs2471245358, ClinGen allele CA2695197909.